The following is an entry in ClinVar:

NM_002693.3(POLG):c.2598+2T>C

Gene: POLG (DNA polymerase gamma, catalytic subunit; minus strand). Cytogenetic location: 15q26.1.
Variant type: single nucleotide variant.
Coding change: c.2598+2T>C on transcript NM_002693.3 (MANE Select); the canonical splice donor site of the intron after coding-DNA position 2598, T replaced by C.
Molecular consequence: splice donor variant.
Genome position (GRCh38, 1-based): chr15:89,321,734, A>G on the plus strand (T>C on the coding strand, the complement: POLG is on the minus strand). VCF-style: chr15-89321734-A-G. GRCh37 (hg19) VCF-style: chr15-89864965-A-G.
Other names: c.2598+2T>C (NM_001126131.2).
Identifiers: ClinVar variation 640002 (VCV000640002.7), dbSNP rs1596352762, ClinGen allele CA393754116.

ClinVar aggregate classification (germline): Likely pathogenic (1 of 4 stars; one submission).

Conditions:
Progressive sclerosing poliodystrophy (MTDPS4A). Also called: Alpers-Huttenlocher Syndrome (AHS); Alpers Syndrome; ALPERS PROGRESSIVE INFANTILE POLIODYSTROPHY; Mitochondrial DNA depletion syndrome 4A (Alpers type); ALPERS DIFFUSE DEGENERATION OF CEREBRAL GRAY MATTER WITH HEPATIC CIRRHOSIS; Alpers-Huttenlocher Syndrome. Identifiers: Orphanet 726, MedGen C0205710, MONDO:0008758, OMIM 203700.

Submission:

Labcorp Genetics (formerly Invitae), Labcorp
Classification: Likely pathogenic for Progressive sclerosing poliodystrophy. Last evaluated: 2018-11-02. Review status: criteria provided, single submitter. Criteria: Invitae Variant Classification Sherloc (09022015). Collection method: clinical testing. Allele origin: germline.
Comment: In summary, the currently available evidence indicates that the variant is pathogenic, but additional data are needed to prove that conclusively. Therefore, this variant has been classified as Likely Pathogenic. Donor and acceptor splice site variants typically lead to a loss of protein function (PMID: 16199547), and loss-of-function variants in POLG are known to be pathogenic (PMID: 18546365, 21696159, 27987238). Algorithms developed to predict the effect of sequence changes on RNA splicing suggest that this variant may disrupt the consensus splice site, but this prediction has not been confirmed by published transcriptional studies. This variant has not been reported in the literature in individuals with POLG-related disease. This variant is not present in population databases (ExAC no frequency). This sequence change affects a donor splice site in intron 16 of the POLG gene. It is expected to disrupt RNA splicing and likely results in an absent or disrupted protein product.

Literature cited by the submitters: PubMed 16199547; PubMed 18546365; PubMed 21696159; PubMed 27987238.